The following is an entry in ClinVar:

ClinVar aggregate classification (germline): Uncertain significance. Review status: criteria provided, multiple submitters, no conflicts (2 of 4 stars). 2 submissions from 2 submitters: Uncertain significance (2). Last evaluated 2025-11-05.

gnomAD v4.1: 3 of 1,612,228 alleles (0.00019%); highest among the groups gnomAD compares: Non-Finnish European, 0.00025%; no homozygotes.

Submissions (2):

Ambry Genetics
Classification: Uncertain significance. Last evaluated: 2025-11-05. Review status: criteria provided, single submitter. Criteria: Ambry Variant Classification Scheme 2023. Collection method: clinical testing. Allele origin: germline.

Labcorp Genetics (formerly Invitae), Labcorp
Classification: Uncertain significance. Last evaluated: 2025-07-30. Review status: criteria provided, single submitter. Criteria: Invitae Variant Classification Sherloc (09022015). Collection method: clinical testing. Allele origin: germline.
Comment: This sequence change replaces valine, which is neutral and non-polar, with phenylalanine, which is neutral and non-polar, at codon 372 of the RELB protein (p.Val372Phe). This variant is not present in population databases (gnomAD no frequency). This variant has not been reported in the literature in individuals affected with RELB-related conditions. ClinVar contains an entry for this variant (Variation ID: 1956512). An algorithm developed to predict the effect of missense changes on protein structure and function (PolyPhen-2) suggests that this variant is likely to be tolerated. In summary, the available evidence is currently insufficient to determine the role of this variant in disease. Therefore, it has been classified as a Variant of Uncertain Significance.

NM_006509.4(RELB):c.1114G>T (p.Val372Phe)

Gene: RELB (RELB proto-oncogene, NF-kB subunit; plus strand). Cytogenetic location: 19q13.32.
Variant type: single nucleotide variant.
Coding change: c.1114G>T on transcript NM_006509.4 (MANE Select); coding-DNA position 1114, G replaced by T.
Protein change: p.Val372Phe; replaces valine 372 with phenylalanine.
Molecular consequence: missense variant.
Genome position (GRCh38, 1-based): chr19:45,032,656, G>T. VCF-style: chr19-45032656-G-T. GRCh37 (hg19) VCF-style: chr19-45535914-G-T.
Other names: c.1114G>T (NM_006509.3); c.1105G>T, p.Val369Phe (NM_001411087.1); short protein forms V372F, V369F.
Identifiers: ClinVar variation 1956512 (VCV001956512.6), dbSNP rs749105163, ClinGen allele CA9507743.
Genomic context (GRCh38, chr19:45,032,656, plus strand): 5'-GACGTGCACCGCCAGATTGCCATTGTGTTCAAGACGCCGCCCTACGAGGACCTGGAGATT[G>T]TCGAGCCCGTGACAGTCAACGTCTTCCTGCAGCGGCTCACCGATGGGGTCTGCAGCGAGC-3'
Protein context (NP_006500.2, residues 362-382): KTPPYEDLEI[Val372Phe]EPVTVNVFLQ